The following is an entry in ClinVar:

ClinVar aggregate classification (germline): Pathogenic/Likely pathogenic. Review status: criteria provided, multiple submitters, no conflicts (2 of 4 stars). 2 submissions from 2 submitters: Pathogenic (1); Likely pathogenic (1). Last evaluated 2026-06-04.

Submissions (2):

Ambry Genetics
Classification: Pathogenic. Last evaluated: 2026-06-04. Review status: criteria provided, single submitter. Criteria: Ambry Variant Classification Scheme 2023. Collection method: clinical testing. Allele origin: germline.
Comment: The c.1378_1381delAAAG (p.K460Gfs*31) alteration, located in exon 2 (coding exon 2) of the MSL2 gene, consists of a deletion of 4 nucleotides from position 1378 to 1381, causing a translational frameshift with a predicted alternate stop codon after 31 amino acids. This variant is not expected to trigger nonsense-mediated mRNA decay and impacts the last 19% of the protein. However, premature stop codons are typically deleterious in nature, the impacted region is critical for protein function, and a significant portion of the protein is affected (Ambry internal data). This variant was not reported in population-based cohorts in the Genome Aggregation Database (gnomAD). Based on the available evidence, this alteration is classified as pathogenic.

GeneDx
Classification: Likely pathogenic. Last evaluated: 2024-10-17. Review status: criteria provided, single submitter. Criteria: GeneDx Variant Classification Process June 2021. Collection method: clinical testing. Allele origin: germline. Affected: yes.
Comment: Not observed at significant frequency in large population cohorts (gnomAD); Frameshift variant predicted to result in abnormal protein length as the last 181 amino acid(s) are replaced with 30 different amino acid(s); Has not been previously published as pathogenic or benign to our knowledge

NM_018133.4(MSL2):c.1378_1381del (p.Lys460fs)

Gene: MSL2 (MSL complex subunit 2; minus strand). Cytogenetic location: 3q22.3.
Variant type: Microsatellite.
Coding change: c.1378_1381del on transcript NM_018133.4 (MANE Select); coding-DNA positions 1378 to 1381, 4 bases deleted (AAAG; older notation c.1378_1381delAAAG).
Protein change: p.Lys460fs; shifts the reading frame from lysine 460.
Molecular consequence: frameshift variant.
Genome position (GRCh38, 1-based): chr3:136,151,500-136,151,503, CTTT deleted on the plus strand (AAAG on the coding strand, the reverse complement: MSL2 is on the minus strand); deleting any 4 consecutive bases within chr3:136,151,500-136,151,507 gives the same sequence; the c. name uses the placement nearest the transcript's 3' end. VCF-style (leftmost placement, unchanged base first): chr3-136151499-CCTTT-C. GRCh37 (hg19) VCF-style: chr3-135870341-CCTTT-C.
Other names: c.1378_1381delAAAG (NM_018133.3); c.1156_1159del, p.Lys386fs (NM_001145417.2); short protein forms K460fs, K386fs.
Identifiers: ClinVar variation 3781134 (VCV003781134.2).